The following is an entry in ClinVar:

ClinVar aggregate classification (germline): Pathogenic/Likely pathogenic. Review status: criteria provided, multiple submitters, no conflicts (2 of 4 stars). 3 submissions from 3 submitters: Pathogenic (1); Likely pathogenic (2). Last evaluated 2025-05-20.

Conditions:
Glutaric aciduria, type 1. Also called: Glutaryl-CoA dehydrogenase deficiency; Glutaric acidemia type I; Glutaricaciduria, type I; GA I; Glutaric Acidemia Type 1; Glutaricacidemia Type 1. Identifiers: Orphanet 25, MedGen C0268595, MONDO:0009281, OMIM 231670.

Submissions (3):

Natera, Inc.
Classification: Likely pathogenic for Glutaric acidemia type 1. Last evaluated: 2025-05-20. Review status: criteria provided, single submitter. Criteria: Natera Variant Classification Schema (03/2026). Collection method: clinical testing. Allele origin: germline.
Comment: The c.1244-1G>A variant in GCDH is a canonical splice acceptor site variant predicted to affect pre-mRNA splicing, which may result in an abnormal transcript and altered protein product. This variant may result in a truncated or dysfunctional protein product. This variant is rare in the general population with a frequency below the threshold expected for the associated phenotype(s). Another variant at this same site results in an alteration predicted to cause a similar molecular effect has been observed in individual(s) with the associated phenotype. Given the available evidence, this variant is classified as Likely Pathogenic.

Department of Pathology and Laboratory Medicine, Sinai Health System
Classification: Likely pathogenic for Glutaric aciduria, type 1. Last evaluated: 2023-03-13. Review status: criteria provided, single submitter. Criteria: ACMG Guidelines, 2015. Collection method: research. Allele origin: germline.

Labcorp Genetics (formerly Invitae), Labcorp
Classification: Pathogenic for Glutaric aciduria, type 1. Last evaluated: 2021-01-29. Review status: criteria provided, single submitter. Criteria: Invitae Variant Classification Sherloc (09022015). Collection method: clinical testing. Allele origin: germline.
Comment: This sequence change affects an acceptor splice site in intron 11 of the GCDH gene. While this variant is not anticipated to result in nonsense mediated decay, it likely alters RNA splicing and results in a disrupted protein product. For these reasons, this variant has been classified as Pathogenic. Nucleotide substitutions within the consensus splice site are a relatively common cause of aberrant splicing (PMID: 17576681, 9536098). Algorithms developed to predict the effect of sequence changes on RNA splicing suggest that this variant may disrupt the consensus splice site, but this prediction has not been confirmed by published transcriptional studies. Disruption of this splice site has been observed in individual(s) with glutaric acidemia type I (PMID: 11058907, 27672653). It has also been observed to segregate with disease in related individuals. This variant is not present in population databases (ExAC no frequency).

Literature cited by the submitters: PubMed 17576681 (cited by Labcorp Genetics (formerly Invitae), Labcorp); PubMed 9536098 (cited by Labcorp Genetics (formerly Invitae), Labcorp); PubMed 11058907 (cited by Labcorp Genetics (formerly Invitae), Labcorp); PubMed 27672653 (cited by Labcorp Genetics (formerly Invitae), Labcorp).

NM_000159.4(GCDH):c.1244-1G>A

Genes: SYCE2 (synaptonemal complex central element protein 2; minus strand), GCDH (glutaryl-CoA dehydrogenase; plus strand), LOC126862860 (BRD4-independent group 4 enhancer GRCh37_chr19:13010146-13011345; plus strand). Cytogenetic location: 19p13.13.
Variant type: single nucleotide variant.
Coding change: c.1244-1G>A on transcript NM_000159.4 (MANE Select); the canonical splice acceptor site of the intron before coding-DNA position 1244, G replaced by A.
Molecular consequence: splice acceptor variant. On other transcripts: intron variant (2).
Genome position (GRCh38, 1-based): chr19:12,899,467, G>A. VCF-style: chr19-12899467-G-A. GRCh37 (hg19) VCF-style: chr19-13010281-G-A.
Other names: c.1244-1G>A (NM_000159.3); c.1244-233G>A (NM_013976.5); c.613-82C>T (NM_001105578.2).
Identifiers: ClinVar variation 1454741 (VCV001454741.11), dbSNP rs1160507620, ClinGen allele CA404322093.